The following is an entry in ClinVar:

NM_018122.5(DARS2):c.228-15C>T

Gene: DARS2 (aspartyl-tRNA synthetase 2, mitochondrial; plus strand). Cytogenetic location: 1q25.1.
Variant type: single nucleotide variant.
Coding change: c.228-15C>T on transcript NM_018122.5 (MANE Select); 15 bases into the intron before coding-DNA position 228, C replaced by T.
Molecular consequence: intron variant.
Genome position (GRCh38, 1-based): chr1:173,828,318, C>T. VCF-style: chr1-173828318-C-T. GRCh37 (hg19) VCF-style: chr1-173797456-C-T.
Other names: c.228-15C>T (NM_001365212.1, NM_001365213.2).
Identifiers: ClinVar variation 509452 (VCV000509452.4), dbSNP rs200392167, ClinGen allele CA1250063.

ClinVar aggregate classification (germline): Likely benign. Review status: criteria provided, multiple submitters, no conflicts (2 of 4 stars). 2 submissions from 2 submitters: Likely benign (2). Last evaluated 2025-12-16.

Allele frequency attached by ClinVar (database versions not stated): TOPMed 0.00006.

Submissions (2):

Labcorp Genetics (formerly Invitae), Labcorp
Classification: Likely benign. Last evaluated: 2025-12-16. Review status: criteria provided, single submitter. Criteria: Invitae Variant Classification Sherloc (09022015). Collection method: clinical testing. Allele origin: germline.

GeneDx
Classification: Likely benign. Last evaluated: 2017-05-23. Review status: criteria provided, single submitter. Criteria: GeneDx Variant Classification (06012015). Collection method: clinical testing. Allele origin: germline. Affected: yes.
Comment: This variant is considered likely benign or benign based on one or more of the following criteria: it is a conservative change, it occurs at a poorly conserved position in the protein, it is predicted to be benign by multiple in silico algorithms, and/or has population frequency not consistent with disease.